The following is an entry in ClinVar:

ClinVar aggregate classification (germline): Uncertain significance (1 of 4 stars; one submission).

Conditions:
Mitochondrial DNA depletion syndrome 13. Also called: FBXL4-Related Encephalomyopathic Mitochondrial DNA Depletion Syndrome; Mitochondrial DNA depletion syndrome 13 (encephalomyopathic type). Identifiers: Orphanet 369897, MedGen C3809592, MONDO:0014198, OMIM 615471.

Allele frequency attached by ClinVar (database versions not stated): ESP Exome Variant Server 0.00008; gnomAD exomes below 0.00001; ExAC 0.00001; TOPMed 0.00001.

Submission:

Wong Mito Lab, Molecular and Human Genetics, Baylor College of Medicine
Classification: Uncertain significance for Mitochondrial DNA depletion syndrome 13. Last evaluated: 2017-08-10. Review status: criteria provided, single submitter. Criteria: ACMG Guidelines, 2015. Collection method: reference population. Allele origin: germline.
Comment: The NM_012160.4:c.103C>T (NP_036292.2:p.His35Tyr) [GRCH38: NC_000006.12:g.98926886G>A] variant in FBXL4 gene is interpretated to be a Uncertain Significance - Conflicting Evidence based on ACMG guidelines (PMID: 25741868). This variant meets one or more of the following evidence codes reported in the ACMG-guideline. PM2:This variant is absent in key population databases. BP4:Computational evidence/predictors indicate no impact on the FBXL4 structure, function, or protein-protein interaction. Based on this evidence code ClinGen Pathogenicity Calculator (PMID:28081714) suggested that the variant is Uncertain Significance - Conflicting Evidence.

NM_001278716.2(FBXL4):c.103C>T (p.His35Tyr)

Gene: FBXL4 (F-box and leucine rich repeat protein 4; minus strand). Cytogenetic location: 6q16.2.
Variant type: single nucleotide variant.
Coding change: c.103C>T on transcript NM_001278716.2 (MANE Select); coding-DNA position 103, C replaced by T.
Protein change: p.His35Tyr; replaces histidine 35 with tyrosine.
Molecular consequence: missense variant. On other transcripts: non-coding transcript variant (2).
Genome position (GRCh38, 1-based): chr6:98,926,886, G>A on the plus strand (C>T on the coding strand, the complement: FBXL4 is on the minus strand). VCF-style: chr6-98926886-G-A. GRCh37 (hg19) VCF-style: chr6-99374762-G-A.
Other names: c.103C>T, p.His35Tyr (NM_012160.5); short protein forms H35Y.
Identifiers: ClinVar variation 437534 (VCV000437534.1), dbSNP rs376425290, ClinGen allele CA3933739.